The following is an entry in ClinVar:

NM_006648.4(WNK2):c.1391C>T (p.Ala464Val)

Gene: WNK2 (WNK lysine deficient protein kinase 2; plus strand). Cytogenetic location: 9q22.31.
Variant type: single nucleotide variant.
Coding change: c.1391C>T on transcript NM_006648.4 (MANE Select); coding-DNA position 1391, C replaced by T.
Protein change: p.Ala464Val; replaces alanine 464 with valine.
Molecular consequence: missense variant.
Genome position (GRCh38, 1-based): chr9:93,239,825, C>T. VCF-style: chr9-93239825-C-T. GRCh37 (hg19) VCF-style: chr9-96002107-C-T.
Other names: c.1391C>T, p.Ala464Val (NM_001282394.3); short protein forms A464V.
Identifiers: ClinVar variation 5031870 (VCV005031870.1).

ClinVar aggregate classification (germline): Uncertain significance (1 of 4 stars; one submission).

gnomAD v4.1: 1 of 1,587,372 alleles (0.000063%); highest among the groups gnomAD compares: African/African-American, 0.0013%; no homozygotes.

Submission:

Ambry Genetics
Classification: Uncertain significance. Last evaluated: 2026-07-20. Review status: criteria provided, single submitter. Criteria: Ambry Variant Classification Scheme 2023. Collection method: clinical testing. Allele origin: germline.
Comment: The p.A464V variant (also known as c.1391C>T), located in coding exon 6 of the WNK2 gene, results from a C to T substitution at nucleotide position 1391. The alanine at codon 464 is replaced by valine, an amino acid with similar properties. This amino acid position is conserved. In addition, the in silico prediction for this alteration is inconclusive. Based on the available evidence, the clinical significance of this variant remains unclear.